The following is an entry in ClinVar:

NM_006904.7(PRKDC):c.881T>C (p.Phe294Ser)

Gene: PRKDC (protein kinase, DNA-activated, catalytic subunit; minus strand). Cytogenetic location: 8q11.21.
Variant type: single nucleotide variant.
Coding change: c.881T>C on transcript NM_006904.7 (MANE Select); coding-DNA position 881, T replaced by C.
Protein change: p.Phe294Ser; replaces phenylalanine 294 with serine.
Molecular consequence: missense variant.
Genome position (GRCh38, 1-based): chr8:47,943,294, A>G on the plus strand (T>C on the coding strand, the complement: PRKDC is on the minus strand). VCF-style: chr8-47943294-A-G. GRCh37 (hg19) VCF-style: chr8-48855854-A-G.
Other names: c.881T>C, p.Phe294Ser (NM_001081640.2); short protein forms F294S.
Identifiers: ClinVar variation 3225931 (VCV003225931.1), dbSNP rs1483941725, ClinGen allele CA371136174.

ClinVar aggregate classification (germline): Uncertain significance (1 of 4 stars; one submission).

Allele frequency attached by ClinVar (database versions not stated): gnomAD exomes below 0.00001.
gnomAD v4.1: 1 of 1,612,708 alleles (0.000062%); highest among the groups gnomAD compares: South Asian, 0.0011%; no homozygotes.

Submission:

Ambry Genetics
Classification: Uncertain significance. Last evaluated: 2024-01-06. Review status: criteria provided, single submitter. Criteria: Ambry Variant Classification Scheme 2023. Collection method: clinical testing. Allele origin: germline.
Comment: The p.F294S variant (also known as c.881T>C), located in coding exon 10 of the PRKDC gene, results from a T to C substitution at nucleotide position 881. The phenylalanine at codon 294 is replaced by serine, an amino acid with highly dissimilar properties. This amino acid position is conserved. In addition, the in silico prediction for this alteration is inconclusive. Since supporting evidence is limited at this time, the clinical significance of this alteration remains unclear.